The following is an entry in ClinVar:

ClinVar aggregate classification (germline): Uncertain significance (1 of 4 stars; one submission).

Submission:

Ambry Genetics
Classification: Uncertain significance. Last evaluated: 2021-10-14. Review status: criteria provided, single submitter. Criteria: Ambry Variant Classification Scheme 2023. Collection method: clinical testing. Allele origin: germline.
Comment: The p.V724M variant (also known as c.2170G>A), located in coding exon 14 of the POLQ gene, results from a G to A substitution at nucleotide position 2170. The valine at codon 724 is replaced by methionine, an amino acid with highly similar properties. This amino acid position is conserved. In addition, this alteration is predicted to be tolerated by in silico analysis. Since supporting evidence is limited at this time, the clinical significance of this alteration remains unclear.

NM_199420.4(POLQ):c.2170G>A (p.Val724Met)

Gene: POLQ (DNA polymerase theta; minus strand). Cytogenetic location: 3q13.33.
Variant type: single nucleotide variant.
Coding change: c.2170G>A on transcript NM_199420.4 (MANE Select); coding-DNA position 2170, G replaced by A.
Protein change: p.Val724Met; replaces valine 724 with methionine.
Molecular consequence: missense variant.
Genome position (GRCh38, 1-based): chr3:121,496,916, C>T on the plus strand (G>A on the coding strand, the complement: POLQ is on the minus strand). VCF-style: chr3-121496916-C-T. GRCh37 (hg19) VCF-style: chr3-121215763-C-T.
Other names: short protein forms V724M.
Identifiers: ClinVar variation 1787092 (VCV001787092.2), dbSNP rs2546793736, ClinGen allele CA354109387.